The following is an entry in ClinVar:

NM_004655.4(AXIN2):c.1281dup (p.Ser428fs)

Gene: AXIN2 (axin 2; minus strand). Cytogenetic location: 17q24.1.
Variant type: Duplication.
Coding change: c.1281dup on transcript NM_004655.4 (MANE Select); coding-DNA position 1281, one base duplicated (C; older notation c.1281dupC).
Protein change: p.Ser428fs; shifts the reading frame from serine 428.
Molecular consequence: frameshift variant.
Genome position (GRCh38, 1-based): chr17:65,537,755, G duplicated on the plus strand (C on the coding strand, the reverse complement: AXIN2 is on the minus strand); the first of 3 consecutive G bases (chr17:65,537,755-65,537,757); duplicating any one gives the same sequence. VCF-style (leftmost placement, unchanged base first): chr17-65537754-A-AG. GRCh37 (hg19) VCF-style: chr17-63533872-A-AG.
Other names: c.1281dup, p.Ser428fs (NM_001363813.1); short protein forms S428fs.
Identifiers: ClinVar variation 3638912 (VCV003638912.2).
Genomic context (GRCh38, chr17:65,537,754, plus strand): 5'-TGAGGACCCTGGACAGGTGATCGTCCAGTATCGTCTGCGGGTCTTCCTCGTAGCTGCCGG[A>AG]GGGCAGTAGGGAGAGGGGGTGCTGCGTGGGCGCCCCCTCCCGCGAATTGAGTGTGAGCTC-3'

ClinVar aggregate classification (germline): Pathogenic (1 of 4 stars; one submission).

Conditions:
Oligodontia-cancer predisposition syndrome. Also called: TOOTH AGENESIS-COLORECTAL CANCER SYNDROME. Identifiers: Orphanet 300576, MedGen C1837750, MONDO:0012075, OMIM 608615. Disease mechanism: loss of function.

Submission:

Labcorp Genetics (formerly Invitae), Labcorp
Classification: Pathogenic for Oligodontia-cancer predisposition syndrome. Last evaluated: 2024-04-16. Review status: criteria provided, single submitter. Criteria: Invitae Variant Classification Sherloc (09022015). Collection method: clinical testing. Allele origin: germline.
Comment: This sequence change creates a premature translational stop signal (p.Ser428Leufs*34) in the AXIN2 gene. It is expected to result in an absent or disrupted protein product. Loss-of-function variants in AXIN2 are known to be pathogenic (PMID: 15042511, 21416598). This variant is not present in population databases (gnomAD no frequency). This variant has not been reported in the literature in individuals affected with AXIN2-related conditions. For these reasons, this variant has been classified as Pathogenic.

Literature cited by the submitters: PubMed 15042511; PubMed 21416598.